The following is an entry in ClinVar:

NM_001191061.2(SLC25A22):c.898G>A (p.Gly300Ser)

Gene: SLC25A22 (solute carrier family 25 member 22; minus strand). Cytogenetic location: 11p15.5.
Variant type: single nucleotide variant.
Coding change: c.898G>A on transcript NM_001191061.2 (MANE Select); coding-DNA position 898, G replaced by A.
Protein change: p.Gly300Ser; replaces glycine 300 with serine.
Molecular consequence: missense variant.
Genome position (GRCh38, 1-based): chr11:791,989, C>T on the plus strand (G>A on the coding strand, the complement: SLC25A22 is on the minus strand). VCF-style: chr11-791989-C-T. GRCh37 (hg19) VCF-style: chr11-791989-C-T.
Other names: c.898G>A, p.Gly300Ser (NM_001191060.2, NM_024698.6); short protein forms G300S.
Identifiers: ClinVar variation 843284 (VCV000843284.8), dbSNP rs969554802, ClinGen allele CA216993011.

ClinVar aggregate classification (germline): Uncertain significance (1 of 4 stars; one submission).

Conditions:
Developmental and epileptic encephalopathy. Identifiers: MedGen C5779964, MONDO:0100620.

Allele frequency attached by ClinVar (database versions not stated): gnomAD exomes below 0.00001; gnomAD 0.00001; TOPMed 0.00002.
gnomAD v4.1: 8 of 1,609,166 alleles (0.0005%); highest among the groups gnomAD compares: African/African-American, 0.0027%; no homozygotes.

Submission:

Labcorp Genetics (formerly Invitae), Labcorp
Classification: Uncertain significance for Early-infantile DEE. Last evaluated: 2022-09-27. Review status: criteria provided, single submitter. Criteria: Invitae Variant Classification Sherloc (09022015). Collection method: clinical testing. Allele origin: germline.
Comment: In summary, the available evidence is currently insufficient to determine the role of this variant in disease. Therefore, it has been classified as a Variant of Uncertain Significance. Algorithms developed to predict the effect of sequence changes on RNA splicing suggest that this variant may create or strengthen a splice site. Advanced modeling of protein sequence and biophysical properties (such as structural, functional, and spatial information, amino acid conservation, physicochemical variation, residue mobility, and thermodynamic stability) performed at Invitae indicates that this missense variant is not expected to disrupt SLC25A22 protein function. ClinVar contains an entry for this variant (Variation ID: 843284). This variant has not been reported in the literature in individuals affected with SLC25A22-related conditions. This variant is not present in population databases (gnomAD no frequency). This sequence change replaces glycine, which is neutral and non-polar, with serine, which is neutral and polar, at codon 300 of the SLC25A22 protein (p.Gly300Ser).